The following is an entry in ClinVar:

NM_032228.6(FAR1):c.564A>G (p.Leu188=)

Gene: FAR1 (fatty acyl-CoA reductase 1; plus strand). Cytogenetic location: 11p15.3.
Variant type: single nucleotide variant.
Coding change: c.564A>G on transcript NM_032228.6 (MANE Select); coding-DNA position 564, A replaced by G.
Protein change: p.Leu188=; no amino-acid change (leucine 188 retained).
Molecular consequence: synonymous variant.
Genome position (GRCh38, 1-based): chr11:13,710,711, A>G. VCF-style: chr11-13710711-A-G. GRCh37 (hg19) VCF-style: chr11-13732258-A-G.
Identifiers: ClinVar variation 724241 (VCV000724241.33), dbSNP rs149868108, ClinGen allele CA5893351.

ClinVar aggregate classification (germline): Likely benign. Review status: criteria provided, multiple submitters, no conflicts (2 of 4 stars). 3 submissions from 3 submitters: Likely benign (3). Last evaluated 2025-12-30.

Allele frequency attached by ClinVar (database versions not stated): 1000 Genomes Project 30x 0.00016; TOPMed 0.00018; gnomAD 0.00019 and 0.00021; 1000 Genomes Project 0.00020; ExAC 0.00020; ESP Exome Variant Server 0.00023.
gnomAD v4.1: 395 of 1,594,918 alleles (0.025%); highest among the groups gnomAD compares: Non-Finnish European, 0.032%; no homozygotes.

Submissions (3):

Labcorp Genetics (formerly Invitae), Labcorp
Classification: Likely benign. Last evaluated: 2025-12-30. Review status: criteria provided, single submitter. Criteria: Invitae Variant Classification Sherloc (09022015). Collection method: clinical testing. Allele origin: germline.

Blueprint Genetics
Classification: Likely benign. Last evaluated: 2024-09-15. Review status: criteria provided, single submitter. Criteria: ACMG Guidelines, 2015. Collection method: clinical testing. Allele origin: germline.

CeGaT Center for Human Genetics Tuebingen
Classification: Likely benign. Last evaluated: 2022-06-01. Review status: criteria provided, single submitter. Criteria: CeGaT Center For Human Genetics Tuebingen Variant Classification Criteria Version 2. Collection method: clinical testing. Allele origin: germline. Affected: yes. Observed: 1 variant allele.
Comment: FAR1: BP4, BP7